The following is an entry in ClinVar:

NM_001105206.3(LAMA4):c.3415-5C>T

Gene: LAMA4 (laminin subunit alpha 4; minus strand). Cytogenetic location: 6q21.
Variant type: single nucleotide variant.
Coding change: c.3415-5C>T on transcript NM_001105206.3 (MANE Select); 5 bases into the intron before coding-DNA position 3415, C replaced by T.
Molecular consequence: intron variant.
Genome position (GRCh38, 1-based): chr6:112,134,614, G>A on the plus strand (C>T on the coding strand, the complement: LAMA4 is on the minus strand). VCF-style: chr6-112134614-G-A. GRCh37 (hg19) VCF-style: chr6-112455816-G-A.
Other names: c.3394-5C>T (NM_002290.5, NM_001105207.3).
Identifiers: ClinVar variation 1985266 (VCV001985266.4), dbSNP rs1554330941, ClinGen allele CA569682822.
Genomic context (GRCh38, chr6:112,134,614, plus strand): 5'-TGCCTTCTGTCAACTACCAAGATCATTTTCTTATCATTGTGGTAAATGATTGAGATCTGG[G>A]AGAGATAATATATAGTAAGCCTTGATTAACTATTTAATATTCAGTTCTTTGATGACTTCT-3'

ClinVar aggregate classification (germline): Uncertain significance (1 of 4 stars; one submission).

Conditions:
Dilated cardiomyopathy 1JJ (CMD1JJ). Identifiers: Orphanet 154, MedGen C3808935, MONDO:0014095, OMIM 615235.

gnomAD v4.1: 1 of 1,599,790 alleles (0.000063%); highest among the groups gnomAD compares: Non-Finnish European, 0.000086%; no homozygotes.

Submission:

Labcorp Genetics (formerly Invitae), Labcorp
Classification: Uncertain significance for Dilated cardiomyopathy 1JJ. Last evaluated: 2022-02-22. Review status: criteria provided, single submitter. Criteria: Invitae Variant Classification Sherloc (09022015). Collection method: clinical testing. Allele origin: germline.
Comment: This sequence change falls in intron 25 of the LAMA4 gene. It does not directly change the encoded amino acid sequence of the LAMA4 protein. This variant is present in population databases (no rsID available, gnomAD 0.0009%). This variant has not been reported in the literature in individuals affected with LAMA4-related conditions. Algorithms developed to predict the effect of sequence changes on RNA splicing suggest that this variant may disrupt the consensus splice site. In summary, the available evidence is currently insufficient to determine the role of this variant in disease. Therefore, it has been classified as a Variant of Uncertain Significance.